The following is an entry in ClinVar:

NM_001048174.2(MUTYH):c.479A>G (p.Glu160Gly)

Gene: MUTYH (mutY DNA glycosylase; minus strand). Cytogenetic location: 1p34.1.
Variant type: single nucleotide variant.
Coding change: c.479A>G on transcript NM_001048174.2 (MANE Select); coding-DNA position 479, A replaced by G.
Protein change: p.Glu160Gly; replaces glutamic acid 160 with glycine.
Molecular consequence: missense variant. On other transcripts: non-coding transcript variant (7).
Genome position (GRCh38, 1-based): chr1:45,332,776, T>C on the plus strand (A>G on the coding strand, the complement: MUTYH is on the minus strand). VCF-style: chr1-45332776-T-C. GRCh37 (hg19) VCF-style: chr1-45798448-T-C.
Other names: c.524A>G, p.Glu175Gly (NM_001293190.2); c.512A>G, p.Glu171Gly (NM_001293191.2, NM_001407069.1, NM_001407077.1); c.203A>G, p.Glu68Gly (NM_001293192.2, NM_001293196.2, NM_001407091.1); c.479A>G, p.Glu160Gly (NM_001293195.2, NM_001407070.1, NM_001407088.1 and 6 more transcripts); c.134A>G, p.Glu45Gly (NM_001350650.2, NM_001350651.2, NM_001407082.1); c.521A>G, p.Glu174Gly (NM_001407083.1, NM_001407085.1); c.482A>G, p.Glu161Gly (NM_001407086.1, NM_001407071.1, NM_001407078.1 and 1 more transcripts); c.500A>G, p.Glu167Gly (NM_001407087.1); and 5 more; short protein forms E132G, E160G, E174G, E45G, E147G, E188G, E161G, E171G.
Identifiers: ClinVar variation 4113730 (VCV004113730.1).

ClinVar aggregate classification (germline): Uncertain significance (1 of 4 stars; one submission).

Conditions:
Hereditary cancer-predisposing syndrome. Also called: Hereditary neoplastic syndrome; Neoplastic Syndromes, Hereditary; Tumor predisposition; Hereditary Cancer Syndrome. Identifiers: Orphanet 140162, MedGen C0027672, MeSH D009386, MONDO:0015356.

gnomAD v4.1: 1 of 1,614,122 alleles (0.000062%); highest among the groups gnomAD compares: East Asian, 0.0022%; no homozygotes.

Submission:

Ambry Genetics
Classification: Uncertain significance for Hereditary cancer-predisposing syndrome. Last evaluated: 2025-08-27. Review status: criteria provided, single submitter. Criteria: Ambry Variant Classification Scheme 2023. Collection method: clinical testing. Allele origin: germline.
Comment: The p.E188G variant (also known as c.563A>G), located in coding exon 7 of the MUTYH gene, results from an A to G substitution at nucleotide position 563. The glutamic acid at codon 188 is replaced by glycine, an amino acid with similar properties. This amino acid position is conserved. In addition, the in silico prediction for this alteration is inconclusive. Based on the available evidence, the clinical significance of this variant remains unclear.